The following is an entry in ClinVar:

ClinVar aggregate classification (germline): Likely benign (1 of 4 stars; one submission).

Submission:

GeneDx
Classification: Likely benign. Last evaluated: 2017-06-27. Review status: criteria provided, single submitter. Criteria: GeneDx Variant Classification (06012015). Collection method: clinical testing. Allele origin: germline. Affected: yes.
Comment: This variant is considered likely benign or benign based on one or more of the following criteria: it is a conservative change, it occurs at a poorly conserved position in the protein, it is predicted to be benign by multiple in silico algorithms, and/or has population frequency not consistent with disease.

NM_020297.4(ABCC9):c.816+13_816+14del

Gene: ABCC9 (ATP binding cassette subfamily C member 9; minus strand). Cytogenetic location: 12p12.1.
Variant type: Deletion.
Coding change: c.816+13_816+14del on transcript NM_020297.4 (MANE Select); bases 13 to 14 of the intron after coding-DNA position 816, 2 bases deleted (CT; older notation c.816+13_816+14delCT).
Molecular consequence: intron variant.
Genome position (GRCh38, 1-based): chr12:21,915,654-21,915,655, AG deleted on the plus strand (CT on the coding strand, the reverse complement: ABCC9 is on the minus strand); deleting any 2 consecutive bases within chr12:21,915,654-21,915,656 gives the same sequence; the c. name uses the placement nearest the transcript's 3' end. VCF-style (leftmost placement, unchanged base first): chr12-21915653-CAG-C. GRCh37 (hg19) VCF-style: chr12-22068587-CAG-C.
Other names: c.-48-2589_-48-2588del (NM_001377274.1); c.816+13_816+14del (NM_005691.4, NM_001377273.1); c.816+13_816+14delCT (NM_020297.2).
Identifiers: ClinVar variation 510422 (VCV000510422.1), dbSNP rs1555116429, ClinGen allele CA658797851.